The following is an entry in ClinVar:

ClinVar aggregate classification (germline): Uncertain significance. Review status: criteria provided, multiple submitters, no conflicts (2 of 4 stars). 2 submissions from 2 submitters: Uncertain significance (2). Last evaluated 2023-12-26.

Submissions (2):

Labcorp Genetics (formerly Invitae), Labcorp
Classification: Uncertain significance. Last evaluated: 2023-12-26. Review status: criteria provided, single submitter. Criteria: Invitae Variant Classification Sherloc (09022015). Collection method: clinical testing. Allele origin: germline.
Comment: This variant, c.1813_1815del, results in the deletion of 1 amino acid(s) of the RINT1 protein (p.Asp605del), but otherwise preserves the integrity of the reading frame. This variant is present in population databases (rs777410924, gnomAD 0.0009%). This variant has not been reported in the literature in individuals affected with RINT1-related conditions. ClinVar contains an entry for this variant (Variation ID: 1489420). Experimental studies and prediction algorithms are not available or were not evaluated, and the functional significance of this variant is currently unknown. In summary, the available evidence is currently insufficient to determine the role of this variant in disease. Therefore, it has been classified as a Variant of Uncertain Significance.

Ambry Genetics
Classification: Uncertain significance. Last evaluated: 2020-08-04. Review status: criteria provided, single submitter. Criteria: Ambry Variant Classification Scheme 2023. Collection method: clinical testing. Allele origin: germline.
Comment: The c.1813_1815delGAT variant (also known as p.D605DEL) is located in coding exon 12 of the RINT1 gene. This variant results from an in-frame GAT deletion at nucleotide positions 1813 to 1815, removing the aspartic acid at codon 605. This amino acid position is highly conserved in available vertebrate species. In addition, this alteration is predicted to be deleterious by in silico analysis (Choi Y et al. PLoS ONE. 2012; 7(10):e46688). Since supporting evidence is limited at this time, the clinical significance of this alteration remains unclear.

NM_021930.6(RINT1):c.1813_1815del (p.Asp605del)

Gene: RINT1 (RAD50 interactor 1; plus strand). Cytogenetic location: 7q22.3.
Variant type: Deletion.
Coding change: c.1813_1815del on transcript NM_021930.6 (MANE Select); coding-DNA positions 1813 to 1815, 3 bases deleted (GAT; older notation c.1813_1815delGAT).
Protein change: p.Asp605del; deletes aspartic acid 605.
Molecular consequence: inframe deletion. On other transcripts: non-coding transcript variant (1).
Genome position (GRCh38, 1-based): chr7:105,563,874-105,563,876, GAT deleted; deleting any 3 consecutive bases within chr7:105,563,872-105,563,876 gives the same sequence; the c. name uses the placement nearest the transcript's 3' end. VCF-style (leftmost placement, unchanged base first): chr7-105563871-CATG-C. GRCh37 (hg19) VCF-style: chr7-105204318-CATG-C.
Other names: c.1579_1581del, p.Asp527del (NM_001346599.2); c.790_792del, p.Asp264del (NM_001346600.2, NM_001346603.2); c.889_891del, p.Asp297del (NM_001346601.2); short protein forms D297del, D264del, D605del, D527del.
Identifiers: ClinVar variation 1489420 (VCV001489420.10), dbSNP rs777410924, ClinGen allele CA4426773.
Genomic context (GRCh38, chr7:105,563,871, plus strand): 5'-CTAGCCTCTATGGAGAGCTCTGTCTTTGATGACATGATTAACCTCTTAGAACGTTTAAAG[CATG>C]ATATGTTGACCCGTCAAGTAGACCACGTTTTTAGAGAAGTTAAAGATGCTGCAAAATTGT-3'